The following is an entry in ClinVar:

ClinVar aggregate classification (germline): Benign. Review status: criteria provided, multiple submitters, no conflicts (2 of 4 stars). 9 submissions from 9 submitters: Benign (6). 3 of the submissions do not count toward it. Last evaluated 2026-02-03.

Conditions:
Norman-Roberts syndrome (LIS2). Also called: Lissencephaly 2 (Norman-Roberts type). Identifiers: Orphanet 89844, MedGen C0796089, MONDO:0009760, OMIM 257320.
Familial temporal lobe epilepsy 7. Identifiers: Orphanet 101046, MedGen C4225327, MONDO:0014639, OMIM 616436.
RELN-related disorder. Also called: RELN-related condition.

Allele frequency attached by ClinVar (database versions not stated): gnomAD exomes 0.00044 and 0.00129; ExAC 0.00159; gnomAD 0.00525 and 0.00558; 1000 Genomes Project 0.00539; TOPMed 0.00570; 1000 Genomes Project 30x 0.00593; ESP Exome Variant Server 0.00638.
gnomAD v4.1: 1,473 of 1,613,168 alleles (0.091%); highest among the groups gnomAD compares: African/African-American, 1.8%; 13 homozygotes.

Submissions (9):

Labcorp Genetics (formerly Invitae), Labcorp
Classification: Benign for Familial temporal lobe epilepsy 7; Norman-Roberts syndrome. Last evaluated: 2026-02-03. Review status: criteria provided, single submitter. Criteria: Invitae Variant Classification Sherloc (09022015). Collection method: clinical testing. Allele origin: germline.

ARUP Laboratories, Molecular Genetics and Genomics, ARUP Laboratories
Classification: Benign. Last evaluated: 2025-04-30. Review status: criteria provided, single submitter. Criteria: ARUP Molecular Germline Variant Investigation Process 2024. Collection method: clinical testing. Allele origin: germline.

Illumina Laboratory Services, Illumina
Classification: Benign for Norman-Roberts syndrome. Last evaluated: 2018-01-13. Review status: criteria provided, single submitter. Criteria: ICSL Variant Classification Criteria 13 December 2019. Collection method: clinical testing. Allele origin: germline.
Comment: This variant was observed in the ICSL laboratory as part of a predisposition screen in an ostensibly healthy population. It had not been previously curated by ICSL or reported in the Human Gene Mutation Database (HGMD: prior to June 1st, 2018), and was therefore a candidate for classification through an automated scoring system. Utilizing variant allele frequency, disease prevalence and penetrance estimates, and inheritance mode, an automated score was calculated to assess if this variant is too frequent to cause the disease. Based on the score and internal cut-off values, a variant classified as benign is not then subjected to further curation. The score for this variant resulted in a classification of benign for this disease.

Genetic Services Laboratory, University of Chicago
Classification: Benign. Last evaluated: 2017-03-15. Review status: criteria provided, single submitter. Criteria: ACMG Guidelines, 2015. Collection method: clinical testing. Allele origin: germline. Affected: no.

GeneDx
Classification: Benign. Last evaluated: 2015-03-03. Review status: criteria provided, single submitter. Criteria: GeneDx Variant Classification Process June 2021. Collection method: clinical testing. Allele origin: germline. Affected: yes.

Breakthrough Genomics
Classification: Benign. Review status: criteria provided, single submitter. Criteria: ACMG Guidelines, 2015. Collection method: not provided. Allele origin: germline. Inheritance: Autosomal recessive inheritance. Affected: yes.

PreventionGenetics, part of Exact Sciences
Classification: Benign for RELN-related condition. Last evaluated: 2024-06-12. Review status: no assertion criteria provided. Collection method: clinical testing. Allele origin: germline. Not counted in ClinVar's aggregate classification.
Comment: This variant is classified as benign based on ACMG/AMP sequence variant interpretation guidelines (Richards et al. 2015 PMID: 25741868, with internal and published modifications).

Clinical Genetics DNA and cytogenetics Diagnostics Lab, Erasmus MC, Erasmus Medical Center
Classification: Likely benign. Review status: no assertion criteria provided. Collection method: clinical testing. Allele origin: germline. Affected: yes. Study: VKGL Data-share Consensus. Not counted in ClinVar's aggregate classification.

Clinical Genetics, Academic Medical Center
Classification: Benign. Review status: no assertion criteria provided. Collection method: clinical testing. Allele origin: germline. Affected: yes. Study: VKGL Data-share Consensus. Not counted in ClinVar's aggregate classification.

NM_005045.4(RELN):c.621C>T (p.Asp207=)

Gene: RELN (reelin; minus strand). Cytogenetic location: 7q22.1.
Variant type: single nucleotide variant.
Coding change: c.621C>T on transcript NM_005045.4 (MANE Select); coding-DNA position 621, C replaced by T.
Protein change: p.Asp207=; no amino-acid change (aspartic acid 207 retained).
Molecular consequence: synonymous variant.
Genome position (GRCh38, 1-based): chr7:103,749,461, G>A on the plus strand (C>T on the coding strand, the complement: RELN is on the minus strand). VCF-style: chr7-103749461-G-A. GRCh37 (hg19) VCF-style: chr7-103389908-G-A.
Other names: c.621C>T, p.Asp207= (NM_173054.3).
Identifiers: ClinVar variation 358417 (VCV000358417.26), dbSNP rs114627891, ClinGen allele CA4422507.